The following is an entry in ClinVar:

ClinVar aggregate classification (germline): Uncertain significance (1 of 4 stars; one submission).

gnomAD v4.1: 1 of 1,208,095 alleles (0.000083%); highest among the groups gnomAD compares: African/African-American, 0.0017%; no homozygotes.

Submission:

GeneDx
Classification: Uncertain significance. Last evaluated: 2025-04-15. Review status: criteria provided, single submitter. Criteria: GeneDx Variant Classification Process June 2021. Collection method: clinical testing. Allele origin: germline. Affected: yes.
Comment: Not observed at significant frequency in large population cohorts (gnomAD); In silico analysis indicates that this missense variant does not alter protein structure/function; Has not been previously published as pathogenic or benign to our knowledge

NM_015107.3(PHF8):c.2605A>G (p.Ile869Val)

Gene: PHF8 (PHD finger protein 8; minus strand). Cytogenetic location: Xp11.22.
Variant type: single nucleotide variant.
Coding change: c.2605A>G on transcript NM_015107.3 (MANE Select); coding-DNA position 2605, A replaced by G.
Protein change: p.Ile869Val; replaces isoleucine 869 with valine.
Molecular consequence: missense variant.
Genome position (GRCh38, 1-based): chrX:53,944,178, T>C on the plus strand (A>G on the coding strand, the complement: PHF8 is on the minus strand). VCF-style: chrX-53944178-T-C. GRCh37 (hg19) VCF-style: chrX-53970611-T-C.
Other names: c.2713A>G, p.Ile905Val (NM_001184896.1, NM_001441097.1); c.2302A>G, p.Ile768Val (NM_001184897.2); c.2554A>G, p.Ile852Val (NM_001184898.2); c.2410A>G, p.Ile804Val (NM_001441096.1, NM_001441098.1); short protein forms I768V, I804V, I852V, I869V, I905V.
Identifiers: ClinVar variation 4527151 (VCV004527151.1).